The following is an entry in ClinVar:

ClinVar aggregate classification (germline): Uncertain significance (1 of 4 stars; one submission).

Conditions:
Hereditary cancer-predisposing syndrome. Also called: Tumor predisposition; Neoplastic Syndromes, Hereditary; Hereditary Cancer Syndrome; Hereditary neoplastic syndrome. Identifiers: Orphanet 140162, MedGen C0027672, MeSH D009386, MONDO:0015356.

Submission:

Ambry Genetics
Classification: Uncertain significance for Hereditary cancer-predisposing syndrome. Last evaluated: 2024-10-18. Review status: criteria provided, single submitter. Criteria: Ambry Variant Classification Scheme 2023. Collection method: clinical testing. Allele origin: germline.
Comment: The p.L33H variant (also known as c.98T>A), located in coding exon 2 of the BRIP1 gene, results from a T to A substitution at nucleotide position 98. The leucine at codon 33 is replaced by histidine, an amino acid with similar properties. This amino acid position is conserved. In addition, this alteration is predicted to be tolerated by in silico analysis. Based on the available evidence, the clinical significance of this variant remains unclear.

NM_032043.3(BRIP1):c.98T>A (p.Leu33His)

Gene: BRIP1 (BRCA1 interacting DNA helicase 1; minus strand). Cytogenetic location: 17q23.2.
Variant type: single nucleotide variant.
Coding change: c.98T>A on transcript NM_032043.3 (MANE Select); coding-DNA position 98, T replaced by A.
Protein change: p.Leu33His; replaces leucine 33 with histidine.
Molecular consequence: missense variant.
Genome position (GRCh38, 1-based): chr17:61,859,903, A>T on the plus strand (T>A on the coding strand, the complement: BRIP1 is on the minus strand). VCF-style: chr17-61859903-A-T. GRCh37 (hg19) VCF-style: chr17-59937264-A-T.
Other names: short protein forms L33H.
Identifiers: ClinVar variation 3482462 (VCV003482462.1).